The following is an entry in ClinVar:

NM_033026.6(PCLO):c.10057G>A (p.Glu3353Lys)

Gene: PCLO (piccolo presynaptic cytomatrix protein; minus strand). Cytogenetic location: 7q21.11.
Variant type: single nucleotide variant.
Coding change: c.10057G>A on transcript NM_033026.6 (MANE Select); coding-DNA position 10057, G replaced by A.
Protein change: p.Glu3353Lys; replaces glutamic acid 3353 with lysine.
Molecular consequence: missense variant.
Genome position (GRCh38, 1-based): chr7:82,950,531, C>T on the plus strand (G>A on the coding strand, the complement: PCLO is on the minus strand). VCF-style: chr7-82950531-C-T. GRCh37 (hg19) VCF-style: chr7-82579847-C-T.
Other names: c.10057G>A, p.Glu3353Lys (NM_014510.3); c.10057G>A (NM_033026.5); short protein forms E3353K.
Identifiers: ClinVar variation 1358827 (VCV001358827.6), dbSNP rs765909527, ClinGen allele CA4319803.

ClinVar aggregate classification (germline): Uncertain significance. Review status: criteria provided, multiple submitters, no conflicts (2 of 4 stars). 2 submissions from 2 submitters: Uncertain significance (2). Last evaluated 2025-03-28.

Conditions:
Inborn genetic diseases. Identifiers: MedGen C0950123, MeSH D030342.

Allele frequency attached by ClinVar (database versions not stated): gnomAD exomes 0.00002 and 0.00005; gnomAD 0.00016 and 0.00012; TOPMed 0.00016; ExAC 0.00005.

Submissions (2):

Ambry Genetics
Classification: Uncertain significance for Inborn genetic diseases. Last evaluated: 2025-03-28. Review status: criteria provided, single submitter. Criteria: Ambry Variant Classification Scheme 2023. Collection method: clinical testing. Allele origin: germline.

Labcorp Genetics (formerly Invitae), Labcorp
Classification: Uncertain significance. Last evaluated: 2025-01-06. Review status: criteria provided, single submitter. Criteria: Invitae Variant Classification Sherloc (09022015). Collection method: clinical testing. Allele origin: germline.
Comment: This sequence change replaces glutamic acid, which is acidic and polar, with lysine, which is basic and polar, at codon 3353 of the PCLO protein (p.Glu3353Lys). This variant is present in population databases (rs765909527, gnomAD 0.06%). This variant has not been reported in the literature in individuals affected with PCLO-related conditions. ClinVar contains an entry for this variant (Variation ID: 1358827). Experimental studies and prediction algorithms are not available or were not evaluated, and the functional significance of this variant is currently unknown. In summary, the available evidence is currently insufficient to determine the role of this variant in disease. Therefore, it has been classified as a Variant of Uncertain Significance.